The following is an entry in ClinVar:

NM_000444.6(PHEX):c.942G>A (p.Trp314Ter)

Gene: PHEX (phosphate regulating endopeptidase X-linked; plus strand). Cytogenetic location: Xp22.11.
Variant type: single nucleotide variant.
Coding change: c.942G>A on transcript NM_000444.6 (MANE Select); coding-DNA position 942, G replaced by A.
Protein change: p.Trp314Ter; replaces tryptophan 314 with a stop codon.
Molecular consequence: nonsense.
Genome position (GRCh38, 1-based): chrX:22,099,014, G>A. VCF-style: chrX-22099014-G-A. GRCh37 (hg19) VCF-style: chrX-22117132-G-A.
Other names: c.942G>A, p.Trp314Ter (NM_001282754.2); short protein forms W314*.
Identifiers: ClinVar variation 837876 (VCV000837876.10), dbSNP rs1930292419, ClinGen allele CA412572751.
Genomic context (GRCh38, chrX:22,099,014, plus strand): 5'-CTTGCTACCTAACCGAGATTCTCTCATTCTGTTTTGTTCTCTCTCCCCTCAGTTCGACTG[G>A]CTGGGCTACATCAAGAAGGTCATTGACACCAGACTCTACCCCCATCTGAAAGACATCAGC-3'

ClinVar aggregate classification (germline): Pathogenic. Review status: criteria provided, single submitter (1 of 4 stars). 2 submissions from 2 submitters: Pathogenic (1). 1 of the submissions does not count toward it. Last evaluated 2024-04-13.

Conditions:
Childhood hypophosphatasia. Identifiers: Orphanet 247667, Orphanet 436, MedGen C0220743, MONDO:1010168, OMIM 241510, MONDO:0009428.

Submissions (2):

Labcorp Genetics (formerly Invitae), Labcorp
Classification: Pathogenic. Last evaluated: 2024-04-13. Review status: criteria provided, single submitter. Criteria: Invitae Variant Classification Sherloc (09022015). Collection method: clinical testing. Allele origin: germline.
Comment: This sequence change creates a premature translational stop signal (p.Trp314*) in the PHEX gene. It is expected to result in an absent or disrupted protein product. Loss-of-function variants in PHEX are known to be pathogenic (PMID: 9097956, 9106524, 19219621). This variant is not present in population databases (gnomAD no frequency). This premature translational stop signal has been observed in individual(s) with hypophosphatemia (PMID: 11502829). It has also been observed to segregate with disease in related individuals. ClinVar contains an entry for this variant (Variation ID: 837876). For these reasons, this variant has been classified as Pathogenic.

Department of Pediatric Endocrinology, Shriners Hospitals for Children - Mexico City
No classification provided. Condition: Childhood hypophosphatasia. Review status: no classification provided. Collection method: phenotyping only. Allele origin: germline. Inheritance: X-linked dominant inheritance. Affected: yes. Observed: 1 variant allele, 1 hemizygote. Not counted in ClinVar's aggregate classification.

Literature cited by the submitters: PubMed 9097956 (cited by Labcorp Genetics (formerly Invitae), Labcorp); PubMed 9106524 (cited by Labcorp Genetics (formerly Invitae), Labcorp); PubMed 19219621 (cited by Labcorp Genetics (formerly Invitae), Labcorp); PubMed 11502829 (cited by Labcorp Genetics (formerly Invitae), Labcorp).